The following is an entry in ClinVar:

ClinVar aggregate classification (germline): Pathogenic (1 of 4 stars; one submission).

Submission:

Labcorp Genetics (formerly Invitae), Labcorp
Classification: Pathogenic. Last evaluated: 2026-01-24. Review status: criteria provided, single submitter. Criteria: Invitae Variant Classification Sherloc (09022015). Collection method: clinical testing. Allele origin: germline.
Comment: This sequence change replaces glycine, which is neutral and non-polar, with tryptophan, which is neutral and slightly polar, at codon 585 of the COL4A5 protein (p.Gly585Trp). This variant is not present in population databases (gnomAD no frequency). This variant has not been reported in the literature in individuals affected with COL4A5-related conditions. Invitae Evidence Modeling of protein sequence and biophysical properties (such as structural, functional, and spatial information, amino acid conservation, physicochemical variation, residue mobility, and thermodynamic stability) indicates that this missense variant is expected to disrupt COL4A5 protein function with a positive predictive value of 95%. This variant disrupts the triple helix domain of COL4A5. Glycine residues within the Gly-Xaa-Yaa repeats of the triple helix domain are required for the structure and stability of fibrillar collagens (PMID: 7695699, 8218237, 19344236). In COL4A5, missense variants at these glycine residues are significantly enriched in individuals with disease (PMID: 23720012, 27627812) compared to the general population (ExAC). This variant disrupts the p.Gly585 amino acid residue in COL4A5. Other variant(s) that disrupt this residue have been observed in individuals with COL4A5-related conditions (PMID: 30968591, 31328266, 37225412), which suggests that this may be a clinically significant amino acid residue. For these reasons, this variant has been classified as Pathogenic.

Literature cited by the submitters: PubMed 7695699; PubMed 8218237; PubMed 19344236; PubMed 23720012; PubMed 27627812; PubMed 30968591; PubMed 31328266; PubMed 37225412.

NM_033380.3(COL4A5):c.1753G>T (p.Gly585Trp)

Gene: COL4A5 (collagen type IV alpha 5 chain; plus strand). Cytogenetic location: Xq22.3.
Variant type: single nucleotide variant.
Coding change: c.1753G>T on transcript NM_033380.3 (MANE Select); coding-DNA position 1753, G replaced by T.
Protein change: p.Gly585Trp; replaces glycine 585 with tryptophan.
Molecular consequence: missense variant.
Genome position (GRCh38, 1-based): chrX:108,597,542, G>T. VCF-style: chrX-108597542-G-T. GRCh37 (hg19) VCF-style: chrX-107840772-G-T.
Other names: c.1753G>T, p.Gly585Trp (NM_000495.5); short protein forms G585W.
Identifiers: ClinVar variation 4802181 (VCV004802181.1).